The following is an entry in ClinVar:

ClinVar aggregate classification (germline): Uncertain significance (1 of 4 stars; one submission).

Allele frequency attached by ClinVar (database versions not stated): gnomAD exomes below 0.00001.
gnomAD v4.1: 1 of 1,614,038 alleles (0.000062%); highest among the groups gnomAD compares: Non-Finnish European, 0.000085%; no homozygotes.

Submission:

Labcorp Genetics (formerly Invitae), Labcorp
Classification: Uncertain significance. Last evaluated: 2022-06-12. Review status: criteria provided, single submitter. Criteria: Invitae Variant Classification Sherloc (09022015). Collection method: clinical testing. Allele origin: germline.
Comment: In summary, the available evidence is currently insufficient to determine the role of this variant in disease. Therefore, it has been classified as a Variant of Uncertain Significance. Algorithms developed to predict the effect of missense changes on protein structure and function output the following: SIFT: "Tolerated"; PolyPhen-2: "Benign"; Align-GVGD: "Class C0". The proline amino acid residue is found in multiple mammalian species, which suggests that this missense change does not adversely affect protein function. This variant has not been reported in the literature in individuals affected with DSCAML1-related conditions. This variant is present in population databases (no rsID available, gnomAD 0.0009%). This sequence change replaces serine, which is neutral and polar, with proline, which is neutral and non-polar, at codon 401 of the DSCAML1 protein (p.Ser401Pro).

NM_020693.4(DSCAML1):c.1021T>C (p.Ser341Pro)

Gene: DSCAML1 (DS cell adhesion molecule like 1; minus strand). Cytogenetic location: 11q23.3.
Variant type: single nucleotide variant.
Coding change: c.1021T>C on transcript NM_020693.4 (MANE Select); coding-DNA position 1021, T replaced by C.
Protein change: p.Ser341Pro; replaces serine 341 with proline.
Molecular consequence: missense variant.
Genome position (GRCh38, 1-based): chr11:117,521,322, A>G on the plus strand (T>C on the coding strand, the complement: DSCAML1 is on the minus strand). VCF-style: chr11-117521322-A-G. GRCh37 (hg19) VCF-style: chr11-117392037-A-G.
Other names: c.1021T>C, p.Ser341Pro (NM_001367904.1); c.613T>C, p.Ser205Pro (NM_001367905.1); short protein forms S205P, S341P.
Identifiers: ClinVar variation 2005293 (VCV002005293.4), dbSNP rs1156582273, ClinGen allele CA382748327.